The following is an entry in ClinVar:

NM_001385012.1(NBEA):c.2027A>G (p.Glu676Gly)

Gene: NBEA (neurobeachin; plus strand). Cytogenetic location: 13q13.3.
Variant type: single nucleotide variant.
Coding change: c.2027A>G on transcript NM_001385012.1 (MANE Select); coding-DNA position 2027, A replaced by G.
Protein change: p.Glu676Gly; replaces glutamic acid 676 with glycine.
Molecular consequence: missense variant.
Genome position (GRCh38, 1-based): chr13:35,117,438, A>G. VCF-style: chr13-35117438-A-G. GRCh37 (hg19) VCF-style: chr13-35691575-A-G.
Other names: c.2027A>G, p.Glu676Gly (NM_001379245.1, NM_015678.5); short protein forms E676G.
Identifiers: ClinVar variation 2497897 (VCV002497897.1), dbSNP rs2503131879, ClinGen allele CA387831778.
Genomic context (GRCh38, chr13:35,117,438, plus strand): 5'-ATTTTTTATTTTACTTTTTTTTCTGTTTTGTTCTAGATGGTCCCCGGCCATCACAAAAAG[A>G]AATTATATCACTGAGGGCATTTATGCTACTTTTTCTGAAACAGCTGATACTAAAGGTAAA-3'
Protein context (NP_001371941.1, residues 666-686): GLDGPRPSQK[Glu676Gly]IISLRAFMLL

ClinVar aggregate classification (germline): Uncertain significance (1 of 4 stars; one submission).

Allele frequency attached by ClinVar (database versions not stated): gnomAD exomes below 0.00001.
gnomAD v4.1: 2 of 1,381,718 alleles (0.00014%); highest among the groups gnomAD compares: Non-Finnish European, 0.00019%; no homozygotes.

Submission:

GeneDx
Classification: Uncertain significance. Last evaluated: 2022-10-10. Review status: criteria provided, single submitter. Criteria: GeneDx Variant Classification Process June 2021. Collection method: clinical testing. Allele origin: germline. Affected: yes.
Comment: Not observed at significant frequency in large population cohorts (gnomAD); In silico analysis supports that this missense variant has a deleterious effect on protein structure/function; Has not been previously published as pathogenic or benign to our knowledge